The following is an entry in ClinVar:

ClinVar aggregate classification (germline): Uncertain significance. Review status: criteria provided, multiple submitters, no conflicts (2 of 4 stars). 2 submissions from 2 submitters: Uncertain significance (2). Last evaluated 2023-02-21.

Conditions:
Ullrich congenital muscular dystrophy 2 (UCMD2). Identifiers: Orphanet 75840, MedGen C4225314, MONDO:0014654, OMIM 616470.
Bethlem myopathy 2 (BTHLM2). Identifiers: Orphanet 536516, Orphanet 610, MedGen C4225313, MONDO:0034022, OMIM 616471.

Allele frequency attached by ClinVar (database versions not stated): gnomAD exomes 0.00001.
gnomAD v4.1: 6 of 1,598,498 alleles (0.00038%); highest among the groups gnomAD compares: Non-Finnish European, 0.00042%; no homozygotes.

Submissions (2):

GeneDx
Classification: Uncertain significance. Last evaluated: 2023-02-21. Review status: criteria provided, single submitter. Criteria: GeneDx Variant Classification Process June 2021. Collection method: clinical testing. Allele origin: germline. Affected: yes.
Comment: Not observed at significant frequency in large population cohorts (gnomAD); In silico analysis supports that this missense variant does not alter protein structure/function; Has not been previously published as pathogenic or benign to our knowledge

Labcorp Genetics (formerly Invitae), Labcorp
Classification: Uncertain significance for Bethlem myopathy 2; Ullrich congenital muscular dystrophy 2. Last evaluated: 2022-07-24. Review status: criteria provided, single submitter. Criteria: Invitae Variant Classification Sherloc (09022015). Collection method: clinical testing. Allele origin: germline.
Comment: This sequence change replaces alanine, which is neutral and non-polar, with glutamic acid, which is acidic and polar, at codon 725 of the COL12A1 protein (p.Ala725Glu). This variant is not present in population databases (gnomAD no frequency). This variant has not been reported in the literature in individuals affected with COL12A1-related conditions. ClinVar contains an entry for this variant (Variation ID: 640898). Algorithms developed to predict the effect of missense changes on protein structure and function (SIFT, PolyPhen-2, Align-GVGD) all suggest that this variant is likely to be tolerated. In summary, the available evidence is currently insufficient to determine the role of this variant in disease. Therefore, it has been classified as a Variant of Uncertain Significance.

NM_004370.6(COL12A1):c.2174C>A (p.Ala725Glu)

Gene: COL12A1 (collagen type XII alpha 1 chain; minus strand). Cytogenetic location: 6q13.
Variant type: single nucleotide variant.
Coding change: c.2174C>A on transcript NM_004370.6 (MANE Select); coding-DNA position 2174, C replaced by A.
Protein change: p.Ala725Glu; replaces alanine 725 with glutamic acid.
Molecular consequence: missense variant. On other transcripts: intron variant (1).
Genome position (GRCh38, 1-based): chr6:75,177,926, G>T on the plus strand (C>A on the coding strand, the complement: COL12A1 is on the minus strand). VCF-style: chr6-75177926-G-T. GRCh37 (hg19) VCF-style: chr6-75887642-G-T.
Other names: c.73+24794C>A (NM_080645.3); short protein forms A725E.
Identifiers: ClinVar variation 640898 (VCV000640898.10), dbSNP rs1341300538, ClinGen allele CA364764608.